The following is an entry in ClinVar:

NM_013275.6(ANKRD11):c.600_601dup (p.Gly201fs)

Gene: ANKRD11 (ankyrin repeat domain containing 11; minus strand). Cytogenetic location: 16q24.3.
Variant type: Duplication.
Coding change: c.600_601dup on transcript NM_013275.6 (MANE Select); coding-DNA positions 600 to 601, 2 bases duplicated (AG; older notation c.600_601dupAG).
Protein change: p.Gly201fs; shifts the reading frame from glycine 201.
Molecular consequence: frameshift variant. On other transcripts: non-coding transcript variant (1).
Genome position (GRCh38, 1-based): chr16:89,290,625-89,290,626, CT duplicated on the plus strand (AG on the coding strand, the reverse complement: ANKRD11 is on the minus strand). VCF-style (leftmost placement, unchanged base first): chr16-89290624-C-CCT. GRCh37 (hg19) VCF-style: chr16-89357032-C-CCT.
Other names: c.600_601dup, p.Gly201fs (NM_001256182.2, NM_001256183.2); short protein forms G201fs.
Identifiers: ClinVar variation 419315 (VCV000419315.1), dbSNP rs1555531314, ClinGen allele CA16620310.
Genomic context (GRCh38, chr16:89,290,624, plus strand): 5'-CTGGGGGAGGCTCAGGGCTCCAGTGGGGCTCTCTGGCCCTTGCCAGGCACAGGGTGCCCA[C>CCT]CTGCGAAGTCCTTGACGTTGACGTCTGCCCCCTCGCTGATGAGCTCTTTGATGCGCCGGG-3'

ClinVar aggregate classification (germline): Pathogenic (1 of 4 stars; one submission).

Submission:

GeneDx
Classification: Pathogenic. Last evaluated: 2015-06-19. Review status: criteria provided, single submitter. Criteria: GeneDx Variant Classification (06012015). Collection method: clinical testing. Allele origin: germline. Affected: yes.
Comment: The c.600_601dupAG duplication in the ANKRD11 gene has not been reported previously as a pathogenic variant nor as a benign polymorphism, to our knowledge. The c.600_601dupAG duplication causes aframeshift starting with codon Glycine 201, changing this amino acid to a Glutamic acid residue, and creatinga premature Stop codon at position 28 of the new reading frame, denoted p.Gly201GlufsX28. This duplication ispredicted to cause loss of normal protein function either through protein truncation or nonsense-mediatedmRNA decay. The c.600_601dupAG variant was not observed in approximately 6,500 individuals ofEuropean and African American ancestry in the NHLBI Exome Sequencing Project, indicating it is not acommon benign variant in these populations. We interpret c.600_601dupAG as a pathogenic variant.